The following is an entry in ClinVar:

NM_017534.6(MYH2):c.4556C>A (p.Thr1519Lys)

Genes: MYH2 (myosin heavy chain 2; minus strand), MYHAS (myosin heavy chain gene cluster antisense RNA; plus strand), LOC126862500 (BRD4-independent group 4 enhancer GRCh37_chr17:10427829-10429028; plus strand). Cytogenetic location: 17p13.1.
Variant type: single nucleotide variant.
Coding change: c.4556C>A on transcript NM_017534.6 (MANE Select); coding-DNA position 4556, C replaced by A.
Protein change: p.Thr1519Lys; replaces threonine 1519 with lysine.
Molecular consequence: missense variant.
Genome position (GRCh38, 1-based): chr17:10,525,330, G>T on the plus strand (C>A on the coding strand, the complement: MYH2 is on the minus strand). VCF-style: chr17-10525330-G-T. GRCh37 (hg19) VCF-style: chr17-10428647-G-T.
Other names: c.4556C>A, p.Thr1519Lys (NM_001100112.2); short protein forms T1519K.
Identifiers: ClinVar variation 2897955 (VCV002897955.3), dbSNP rs138796340, ClinGen allele CA8390592.

ClinVar aggregate classification (germline): Uncertain significance (1 of 4 stars; one submission).

Conditions:
Myopathy, proximal, and ophthalmoplegia (CMYO6). Also called: INCLUSION BODY MYOPATHY 3, AUTOSOMAL DOMINANT; MYOPATHY WITH CONGENITAL JOINT CONTRACTURES, OPHTHALMOPLEGIA, AND RIMMED VACUOLES; CONGENITAL MYOPATHY 6 WITH OPHTHALMOPLEGIA. Identifiers: Orphanet 363677, Orphanet 79091, MedGen C1854106, MONDO:0011577, OMIM 605637.

Submission:

Labcorp Genetics (formerly Invitae), Labcorp
Classification: Uncertain significance for Myopathy, proximal, and ophthalmoplegia. Last evaluated: 2023-04-25. Review status: criteria provided, single submitter. Criteria: Invitae Variant Classification Sherloc (09022015). Collection method: clinical testing. Allele origin: germline.
Comment: In summary, the available evidence is currently insufficient to determine the role of this variant in disease. Therefore, it has been classified as a Variant of Uncertain Significance. Advanced modeling of protein sequence and biophysical properties (such as structural, functional, and spatial information, amino acid conservation, physicochemical variation, residue mobility, and thermodynamic stability) performed at Invitae indicates that this missense variant is not expected to disrupt MYH2 protein function. This variant has not been reported in the literature in individuals affected with MYH2-related conditions. This variant is present in population databases (rs138796340, gnomAD 0.006%). This sequence change replaces threonine, which is neutral and polar, with lysine, which is basic and polar, at codon 1519 of the MYH2 protein (p.Thr1519Lys).